The following is an entry in ClinVar:

ClinVar aggregate classification (germline): Uncertain significance. Review status: criteria provided, multiple submitters, no conflicts (2 of 4 stars). 2 submissions from 2 submitters: Uncertain significance (2). Last evaluated 2024-11-11.

Conditions:
Leber congenital amaurosis 13 (LCA13). Identifiers: MedGen C2675186, MONDO:0012990, OMIM 612712.

Allele frequency attached by ClinVar (database versions not stated): gnomAD 0.00001.
gnomAD v4.1: 2 of 1,605,878 alleles (0.00012%); highest among the groups gnomAD compares: Non-Finnish European, 0.00017%; no homozygotes.

Submissions (3):

Labcorp Genetics (formerly Invitae), Labcorp
Classification: Uncertain significance for Leber congenital amaurosis 13. Last evaluated: 2024-11-11. Review status: criteria provided, single submitter. Criteria: Invitae Variant Classification Sherloc (09022015). Collection method: clinical testing. Allele origin: germline.
Comment: This sequence change replaces arginine, which is basic and polar, with tryptophan, which is neutral and slightly polar, at codon 249 of the RDH12 protein (p.Arg249Trp). This variant is not present in population databases (gnomAD no frequency). This variant has not been reported in the literature in individuals affected with RDH12-related conditions. ClinVar contains an entry for this variant (Variation ID: 954589). Invitae Evidence Modeling of protein sequence and biophysical properties (such as structural, functional, and spatial information, amino acid conservation, physicochemical variation, residue mobility, and thermodynamic stability) indicates that this missense variant is not expected to disrupt RDH12 protein function with a negative predictive value of 80%. In summary, the available evidence is currently insufficient to determine the role of this variant in disease. Therefore, it has been classified as a Variant of Uncertain Significance.

Blueprint Genetics
Classification: Uncertain significance. Last evaluated: 2022-10-13. Review status: criteria provided, single submitter. Criteria: ACMG Guidelines, 2015. Collection method: clinical testing. Allele origin: germline.

Dr. Peter K. Rogan Lab, Western University
No classification provided (evidence only). Condition: Ovarian serous cystadenocarcinoma. Review status: no classification provided. Collection method: in vitro. Allele origin: not applicable. Functional consequence: retained intron. Not counted in ClinVar's aggregate classification.

NM_152443.3(RDH12):c.745C>T (p.Arg249Trp)

Genes: GPHN (gephyrin; plus strand), RDH12 (retinol dehydrogenase 12; plus strand), ZFYVE26 (zinc finger FYVE-type containing 26; minus strand). Cytogenetic location: 14q24.1.
Variant type: single nucleotide variant.
Coding change: c.745C>T on transcript NM_152443.3 (MANE Select); coding-DNA position 745, C replaced by T.
Protein change: p.Arg249Trp; replaces arginine 249 with tryptophan.
Molecular consequence: missense variant.
Genome position (GRCh38, 1-based): chr14:67,729,277, C>T. VCF-style: chr14-67729277-C-T. GRCh37 (hg19) VCF-style: chr14-68195994-C-T.
Other names: short protein forms R249W.
Identifiers: ClinVar variation 954589 (VCV000954589.11), dbSNP rs1452061026, ClinGen allele CA390153021.